The following is an entry in ClinVar:

ClinVar aggregate classification (germline): Uncertain significance (1 of 4 stars; one submission).

Conditions:
RASopathy. Also called: rasopathies; Noonan spectrum disorder. Identifiers: Orphanet 536391, MedGen C5555857, MONDO:0021060.

Allele frequency attached by ClinVar (database versions not stated): gnomAD exomes below 0.00001.
gnomAD v4.1: 1 of 1,613,414 alleles (0.000062%); highest among the groups gnomAD compares: Non-Finnish European, 0.000085%; no homozygotes.

Submission:

Labcorp Genetics (formerly Invitae), Labcorp
Classification: Uncertain significance for RASopathy. Last evaluated: 2024-08-15. Review status: criteria provided, single submitter. Criteria: Invitae Variant Classification Sherloc (09022015). Collection method: clinical testing. Allele origin: germline.
Comment: This sequence change replaces valine, which is neutral and non-polar, with isoleucine, which is neutral and non-polar, at codon 406 of the PTPN11 protein (p.Val406Ile). This variant is not present in population databases (gnomAD no frequency). This variant has not been reported in the literature in individuals affected with PTPN11-related conditions. ClinVar contains an entry for this variant (Variation ID: 648804). Invitae Evidence Modeling incorporating data from in vitro experimental studies (Invitae) indicates that this missense variant is expected to disrupt PTPN11 function with a positive predictive value of 95%. In summary, the available evidence is currently insufficient to determine the role of this variant in disease. Therefore, it has been classified as a Variant of Uncertain Significance.

NM_002834.5(PTPN11):c.1216G>A (p.Val406Ile)

Gene: PTPN11 (protein tyrosine phosphatase non-receptor type 11; plus strand). Cytogenetic location: 12q24.13.
Variant type: single nucleotide variant.
Coding change: c.1216G>A on transcript NM_002834.5 (MANE Select); coding-DNA position 1216, G replaced by A.
Protein change: p.Val406Ile; replaces valine 406 with isoleucine.
Molecular consequence: missense variant.
Genome position (GRCh38, 1-based): chr12:112,482,197, G>A. VCF-style: chr12-112482197-G-A. GRCh37 (hg19) VCF-style: chr12-112920001-G-A.
Other names: c.1216G>A, p.Val406Ile (NM_001330437.2, NM_080601.3); c.1213G>A, p.Val405Ile (NM_001374625.1); short protein forms V406I, V405I.
Identifiers: ClinVar variation 648804 (VCV000648804.8), dbSNP rs1592850347, ClinGen allele CA386776083.